The following is an entry in ClinVar:

ClinVar aggregate classification (germline): Uncertain significance (1 of 4 stars; one submission).

gnomAD v4.1: 1 of 1,612,252 alleles (0.000062%); highest among the groups gnomAD compares: Non-Finnish European, 0.000085%; no homozygotes.

Submission:

Labcorp Genetics (formerly Invitae), Labcorp
Classification: Uncertain significance. Last evaluated: 2023-07-25. Review status: criteria provided, single submitter. Criteria: Invitae Variant Classification Sherloc (09022015). Collection method: clinical testing. Allele origin: germline.
Comment: In summary, the available evidence is currently insufficient to determine the role of this variant in disease. Therefore, it has been classified as a Variant of Uncertain Significance. Advanced modeling of protein sequence and biophysical properties (such as structural, functional, and spatial information, amino acid conservation, physicochemical variation, residue mobility, and thermodynamic stability) performed at Invitae indicates that this missense variant is expected to disrupt GATAD2B protein function. This variant has not been reported in the literature in individuals affected with GATAD2B-related conditions. This variant is not present in population databases (gnomAD no frequency). This sequence change replaces serine, which is neutral and polar, with leucine, which is neutral and non-polar, at codon 586 of the GATAD2B protein (p.Ser586Leu).

NM_020699.4(GATAD2B):c.1757C>T (p.Ser586Leu)

Gene: GATAD2B (GATA zinc finger domain containing 2B; minus strand). Cytogenetic location: 1q21.3.
Variant type: single nucleotide variant.
Coding change: c.1757C>T on transcript NM_020699.4 (MANE Select); coding-DNA position 1757, C replaced by T.
Protein change: p.Ser586Leu; replaces serine 586 with leucine.
Molecular consequence: missense variant.
Genome position (GRCh38, 1-based): chr1:153,810,202, G>A on the plus strand (C>T on the coding strand, the complement: GATAD2B is on the minus strand). VCF-style: chr1-153810202-G-A. GRCh37 (hg19) VCF-style: chr1-153782678-G-A.
Other names: short protein forms S586L.
Identifiers: ClinVar variation 2746874 (VCV002746874.3), dbSNP rs2525228645, ClinGen allele CA342580231.